The following is an entry in ClinVar:

NM_000063.6(C2):c.1940C>A (p.Thr647Asn)

Gene: C2 (complement C2; plus strand). Cytogenetic location: 6p21.33.
Variant type: single nucleotide variant.
Coding change: c.1940C>A on transcript NM_000063.6 (MANE Select); coding-DNA position 1940, C replaced by A.
Protein change: p.Thr647Asn; replaces threonine 647 with asparagine.
Molecular consequence: missense variant.
Genome position (GRCh38, 1-based): chr6:31,944,764, C>A. VCF-style: chr6-31944764-C-A. GRCh37 (hg19) VCF-style: chr6-31912541-C-A.
Other names: c.1544C>A, p.Thr515Asn (NM_001145903.3); c.1298C>A, p.Thr433Asn (NM_001178063.3); c.1202C>A, p.Thr401Asn (NM_001282457.2); c.1853C>A, p.Thr618Asn (NM_001282458.2); short protein forms T433N, T401N, T618N, T515N, T647N.
Identifiers: ClinVar variation 2976883 (VCV002976883.3), dbSNP rs1771222789, ClinGen allele CA363383914.
Genomic context (GRCh38, chr6:31,944,764, plus strand): 5'-CTCTGGTTCCACCCCTGCTGCAGTGGACAAGCTGTGCCGAGGTTGTCTCCCAAGAAAAAA[C>A]CATGTTCCCCAACTTGACAGATGTCAGGGAGGTGGTGACAGACCAGTTCCTATGCAGTGG-3'
Protein context (NP_000054.2, residues 637-657): SCAEVVSQEK[Thr647Asn]MFPNLTDVRE

ClinVar aggregate classification (germline): Uncertain significance (1 of 4 stars; one submission).

Allele frequency attached by ClinVar (database versions not stated): gnomAD exomes below 0.00001.
gnomAD v4.1: 4 of 1,613,116 alleles (0.00025%); highest among the groups gnomAD compares: South Asian, 0.0011%; no homozygotes.

Submission:

Labcorp Genetics (formerly Invitae), Labcorp
Classification: Uncertain significance. Last evaluated: 2023-08-07. Review status: criteria provided, single submitter. Criteria: Invitae Variant Classification Sherloc (09022015). Collection method: clinical testing. Allele origin: germline.
Comment: This sequence change replaces threonine, which is neutral and polar, with asparagine, which is neutral and polar, at codon 647 of the C2 protein (p.Thr647Asn). This variant is not present in population databases (gnomAD no frequency). This variant has not been reported in the literature in individuals affected with C2-related conditions. Algorithms developed to predict the effect of missense changes on protein structure and function output the following: SIFT: "Not Available"; PolyPhen-2: "Benign"; Align-GVGD: "Not Available". The asparagine amino acid residue is found in multiple mammalian species, which suggests that this missense change does not adversely affect protein function. In summary, the available evidence is currently insufficient to determine the role of this variant in disease. Therefore, it has been classified as a Variant of Uncertain Significance.